The following is an entry in ClinVar:

ClinVar aggregate classification (germline): Conflicting classifications of pathogenicity. Review status: criteria provided, conflicting classifications (1 of 4 stars). 2 submissions from 2 submitters: Likely pathogenic (1); Uncertain significance (1). Last evaluated 2024-02-18.

Conditions:
Weill-Marchesani syndrome 1 (WMS1). Also called: Weill-Marchesani syndrome 1, recessive; ADAMTS10-Related Weill-Marchesani Syndrome; Weill-Marchesani Syndrome, Autosomal Recessive. Identifiers: Orphanet 3449, MedGen C4552002, MONDO:0010194, OMIM 277600.

Allele frequency attached by ClinVar (database versions not stated): TOPMed below 0.00001.
gnomAD v4.1: 4 of 1,614,162 alleles (0.00025%); highest among the groups gnomAD compares: South Asian, 0.0011%; no homozygotes.

Submissions (2):

Clinical Genomics Laboratory, Washington University in St. Louis
Classification: Uncertain significance for Weill-Marchesani syndrome 1. Last evaluated: 2024-02-18. Review status: criteria provided, single submitter. Criteria: ACMG Guidelines, 2015. Collection method: clinical testing. Allele origin: germline.
Comment: The ADAMTS10 c.698G>A (p.Arg233Gln) variant, to our knowledge, has not been reported in the medical literature but has been reported in the ClinVar database as a germline likely pathogenic variant for Weill-Marchesani syndrome by one submitter. This variant is absent from the general population (gnomAD v.2.1.1), indicating it is not a common variant. Computational predictors are uncertain as to the impact of this variant on ADAMTS10 function. Due to limited information, and based on ACMG/AMP guidelines for variant interpretation (Richards S et al., PMID: 25741868), the clinical significance of this variant is uncertain at this time.

Laboratory of Molecular and Physiopathological Bases of Osteochondrodysplasia, Imagine Institute
Classification: Likely pathogenic for Weill-Marchesani syndrome 1. Last evaluated: 2023-06-29. Review status: criteria provided, single submitter. Criteria: ACMG Guidelines, 2015. Collection method: clinical testing. Allele origin: unknown. Affected: yes. Observed: 1 variant allele.

NM_030957.4(ADAMTS10):c.698G>A (p.Arg233Gln)

Gene: ADAMTS10 (ADAM metallopeptidase with thrombospondin type 1 motif 10; minus strand). Cytogenetic location: 19p13.2.
Variant type: single nucleotide variant.
Coding change: c.698G>A on transcript NM_030957.4 (MANE Select); coding-DNA position 698, G replaced by A.
Protein change: p.Arg233Gln; replaces arginine 233 with glutamine.
Molecular consequence: missense variant.
Genome position (GRCh38, 1-based): chr19:8,601,040, C>T on the plus strand (G>A on the coding strand, the complement: ADAMTS10 is on the minus strand). VCF-style: chr19-8601040-C-T. GRCh37 (hg19) VCF-style: chr19-8665924-C-T.
Other names: short protein forms R233Q.
Identifiers: ClinVar variation 2570584 (VCV002570584.2), dbSNP rs1555741462, ClinGen allele CA403756666.
Genomic context (GRCh38, chr19:8,601,040, plus strand): 5'-GCCACCATCATCTTGTCAGCCACCACCAGGGTCTCCACGTAGCGCTCTCGGCTGACCGAT[C>T]GCTTCAGGCCTGGCTGGCCACGCTCTGTTTCATTCCCCAGGGGCCTGGCAGGCGGTGGCT-3'
Protein context (NP_112219.3, residues 223-243): ETERGQPGLK[Arg233Gln]SVSRERYVET